The following is an entry in ClinVar:

ClinVar aggregate classification (germline): Uncertain significance (1 of 4 stars; one submission).

Allele frequency attached by ClinVar (database versions not stated): gnomAD exomes below 0.00001.
gnomAD v4.1: 1 of 1,613,316 alleles (0.000062%); highest among the groups gnomAD compares: Non-Finnish European, 0.000085%; no homozygotes.

Submission:

Labcorp Genetics (formerly Invitae), Labcorp
Classification: Uncertain significance. Last evaluated: 2023-09-04. Review status: criteria provided, single submitter. Criteria: Invitae Variant Classification Sherloc (09022015). Collection method: clinical testing. Allele origin: germline.
Comment: In summary, the available evidence is currently insufficient to determine the role of this variant in disease. Therefore, it has been classified as a Variant of Uncertain Significance. Advanced modeling of protein sequence and biophysical properties (such as structural, functional, and spatial information, amino acid conservation, physicochemical variation, residue mobility, and thermodynamic stability) performed at Invitae indicates that this missense variant is not expected to disrupt ITPR1 protein function. This variant has not been reported in the literature in individuals affected with ITPR1-related conditions. This variant is not present in population databases (gnomAD no frequency). This sequence change replaces glutamine, which is neutral and polar, with lysine, which is basic and polar, at codon 260 of the ITPR1 protein (p.Gln260Lys).

NM_001378452.1(ITPR1):c.778C>A (p.Gln260Lys)

Gene: ITPR1 (inositol 1,4,5-trisphosphate receptor type 1; plus strand). Cytogenetic location: 3p26.1.
Variant type: single nucleotide variant.
Coding change: c.778C>A on transcript NM_001378452.1 (MANE Select); coding-DNA position 778, C replaced by A.
Protein change: p.Gln260Lys; replaces glutamine 260 with lysine.
Molecular consequence: missense variant.
Genome position (GRCh38, 1-based): chr3:4,645,651, C>A. VCF-style: chr3-4645651-C-A. GRCh37 (hg19) VCF-style: chr3-4687335-C-A.
Other names: c.778C>A, p.Gln260Lys (NM_001099952.4, NM_001168272.2, NM_002222.7); short protein forms Q260K.
Identifiers: ClinVar variation 2965419 (VCV002965419.3), dbSNP rs936157458, ClinGen allele CA68798033.
Genomic context (GRCh38, chr3:4,645,651, plus strand): 5'-GTGAGGCTGTTTCATGCTGAGCAGGAGAAGTTTCTCACCTGTGACGAACACAGGAAGAAG[C>A]AGCACGTCTTCCTGAGAACCACGGGCCGGCAGTCGGCCACATCTGCCACCAGTTCAAAAG-3'
Protein context (NP_001365381.1, residues 250-270): FLTCDEHRKK[Gln260Lys]HVFLRTTGRQ